The following is an entry in ClinVar:

ClinVar aggregate classification (germline): Uncertain significance (1 of 4 stars; one submission).

Allele frequency attached by ClinVar (database versions not stated): TOPMed 0.00002.
gnomAD v4.1: 6 of 1,585,728 alleles (0.00038%); highest among the groups gnomAD compares: Non-Finnish European, 0.00052%; no homozygotes.

Submission:

Labcorp Genetics (formerly Invitae), Labcorp
Classification: Uncertain significance. Last evaluated: 2022-03-13. Review status: criteria provided, single submitter. Criteria: Invitae Variant Classification Sherloc (09022015). Collection method: clinical testing. Allele origin: germline.
Comment: In summary, the available evidence is currently insufficient to determine the role of this variant in disease. Therefore, it has been classified as a Variant of Uncertain Significance. Algorithms developed to predict the effect of missense changes on protein structure and function are either unavailable or do not agree on the potential impact of this missense change (SIFT: "Not Available"; PolyPhen-2: "Probably Damaging"; Align-GVGD: "Not Available"). This variant has not been reported in the literature in individuals affected with POC5-related conditions. This variant is not present in population databases (gnomAD no frequency). This sequence change replaces lysine, which is basic and polar, with asparagine, which is neutral and polar, at codon 112 of the POC5 protein (p.Lys112Asn).

NM_001099271.2(POC5):c.336G>T (p.Lys112Asn)

Gene: POC5 (POC5 centriolar protein; minus strand). Cytogenetic location: 5q13.3.
Variant type: single nucleotide variant.
Coding change: c.336G>T on transcript NM_001099271.2 (MANE Select); coding-DNA position 336, G replaced by T.
Protein change: p.Lys112Asn; replaces lysine 112 with asparagine.
Molecular consequence: missense variant.
Genome position (GRCh38, 1-based): chr5:75,702,782, C>A on the plus strand (G>T on the coding strand, the complement: POC5 is on the minus strand). VCF-style: chr5-75702782-C-A. GRCh37 (hg19) VCF-style: chr5-74998607-C-A.
Other names: c.261G>T, p.Lys87Asn (NM_152408.3); short protein forms K87N, K112N.
Identifiers: ClinVar variation 1981969 (VCV001981969.4), dbSNP rs1394780806, ClinGen allele CA360149973.